The following is an entry in ClinVar:

NM_014738.6(TMEM94):c.2148C>G (p.Phe716Leu)

Gene: TMEM94 (transmembrane protein 94; plus strand). Cytogenetic location: 17q25.1.
Variant type: single nucleotide variant.
Coding change: c.2148C>G on transcript NM_014738.6 (MANE Select); coding-DNA position 2148, C replaced by G.
Protein change: p.Phe716Leu; replaces phenylalanine 716 with leucine.
Molecular consequence: missense variant.
Genome position (GRCh38, 1-based): chr17:75,493,552, C>G. VCF-style: chr17-75493552-C-G. GRCh37 (hg19) VCF-style: chr17-73489633-C-G.
Other names: c.2178C>G, p.Phe726Leu (NM_001321148.2, NM_001351203.2); c.2160C>G, p.Phe720Leu (NM_001321149.2); c.2100C>G, p.Phe700Leu (NM_001351202.2); short protein forms F700L, F716L, F726L, F720L.
Identifiers: ClinVar variation 3731165 (VCV003731165.2).

ClinVar aggregate classification (germline): Uncertain significance (1 of 4 stars; one submission).

Submission:

GeneDx
Classification: Uncertain significance. Last evaluated: 2026-04-08. Review status: criteria provided, single submitter. Criteria: GeneDx Variant Classification Process June 2021. Collection method: clinical testing. Allele origin: germline.
Comment: Not observed at significant frequency in large population cohorts (gnomAD); In silico analysis supports that this missense variant has a deleterious effect on protein structure/function; Has not been previously published as pathogenic or benign to our knowledge